The following is an entry in ClinVar:

NM_014889.4(PITRM1):c.2267C>G (p.Thr756Arg)

Genes: PITRM1 (pitrilysin metallopeptidase 1; minus strand), PITRM1-AS1 (PITRM1 antisense RNA 1; plus strand). Cytogenetic location: 10p15.2.
Variant type: single nucleotide variant.
Coding change: c.2267C>G on transcript NM_014889.4 (MANE Select); coding-DNA position 2267, C replaced by G.
Protein change: p.Thr756Arg; replaces threonine 756 with arginine.
Molecular consequence: missense variant. On other transcripts: non-coding transcript variant (5).
Genome position (GRCh38, 1-based): chr10:3,147,219, G>C on the plus strand (C>G on the coding strand, the complement: PITRM1 is on the minus strand). VCF-style: chr10-3147219-G-C. GRCh37 (hg19) VCF-style: chr10-3189411-G-C.
Other names: c.2270C>G, p.Thr757Arg (NM_001242307.2); c.1973C>G, p.Thr658Arg (NM_001242309.1); c.2069C>G, p.Thr690Arg (NM_001347725.2); c.1454C>G, p.Thr485Arg (NM_001347726.2); c.1652C>G, p.Thr551Arg (NM_001347727.2); c.962C>G, p.Thr321Arg (NM_001347728.2); c.2243C>G, p.Thr748Arg (NM_001347729.1); c.2045C>G, p.Thr682Arg (NM_001347730.1); short protein forms T551R, T658R, T321R, T682R, T756R, T757R, T748R, T485R.
Identifiers: ClinVar variation 2745730 (VCV002745730.3), dbSNP rs2491694583, ClinGen allele CA375871370.

ClinVar aggregate classification (germline): Uncertain significance (1 of 4 stars; one submission).

Submission:

Labcorp Genetics (formerly Invitae), Labcorp
Classification: Uncertain significance. Last evaluated: 2023-11-27. Review status: criteria provided, single submitter. Criteria: Invitae Variant Classification Sherloc (09022015). Collection method: clinical testing. Allele origin: germline.
Comment: This sequence change replaces threonine, which is neutral and polar, with arginine, which is basic and polar, at codon 658 of the PITRM1 protein (p.Thr658Arg). This variant is not present in population databases (gnomAD no frequency). This variant has not been reported in the literature in individuals affected with PITRM1-related conditions. An algorithm developed to predict the effect of missense changes on protein structure and function (PolyPhen-2) suggests that this variant is likely to be tolerated. In summary, the available evidence is currently insufficient to determine the role of this variant in disease. Therefore, it has been classified as a Variant of Uncertain Significance.